The following is an entry in ClinVar:

ClinVar aggregate classification (germline): Uncertain significance (1 of 4 stars; one submission).

Allele frequency attached by ClinVar (database versions not stated): gnomAD 0.00001; gnomAD exomes 0.00003 and 0.00005; ExAC 0.00004.
gnomAD v4.1: 80 of 1,612,516 alleles (0.005%); highest among the groups gnomAD compares: Non-Finnish European, 0.0061%; no homozygotes.

Submission:

Labcorp Genetics (formerly Invitae), Labcorp
Classification: Uncertain significance. Last evaluated: 2021-09-24. Review status: criteria provided, single submitter. Criteria: Invitae Variant Classification Sherloc (09022015). Collection method: clinical testing. Allele origin: germline.
Comment: This sequence change replaces alanine with valine at codon 275 of the HSD17B3 protein (p.Ala275Val). The alanine residue is moderately conserved and there is a small physicochemical difference between alanine and valine. This variant is present in population databases (rs751855814, ExAC 0.008%). This variant has not been reported in the literature in individuals with HSD17B3-related conditions. Algorithms developed to predict the effect of missense changes on protein structure and function (SIFT, PolyPhen-2, Align-GVGD) all suggest that this variant is likely to be tolerated, but these predictions have not been confirmed by published functional studies and their clinical significance is uncertain. Algorithms developed to predict the effect of sequence changes on RNA splicing suggest that this variant may create or strengthen a splice site, but this prediction has not been confirmed by published transcriptional studies. In summary, the available evidence is currently insufficient to determine the role of this variant in disease. Therefore, it has been classified as a Variant of Uncertain Significance.

NM_000197.2(HSD17B3):c.824C>T (p.Ala275Val)

Genes: HSD17B3 (hydroxysteroid 17-beta dehydrogenase 3; minus strand), SLC35D2-HSD17B3 (SLC35D2-HSD17B3 readthrough; minus strand). Cytogenetic location: 9q22.32.
Variant type: single nucleotide variant.
Coding change: c.824C>T on transcript NM_000197.2 (MANE Select); coding-DNA position 824, C replaced by T.
Protein change: p.Ala275Val; replaces alanine 275 with valine.
Molecular consequence: missense variant.
Genome position (GRCh38, 1-based): chr9:96,235,569, G>A on the plus strand (C>T on the coding strand, the complement: HSD17B3 is on the minus strand). VCF-style: chr9-96235569-G-A. GRCh37 (hg19) VCF-style: chr9-98997851-G-A.
Other names: short protein forms A275V.
Identifiers: ClinVar variation 1449786 (VCV001449786.6), dbSNP rs751855814, ClinGen allele CA5140246.